The following is an entry in ClinVar:

ClinVar aggregate classification (germline): Uncertain significance (1 of 4 stars; one submission).

Submission:

Labcorp Genetics (formerly Invitae), Labcorp
Classification: Uncertain significance. Last evaluated: 2024-09-29. Review status: criteria provided, single submitter. Criteria: Invitae Variant Classification Sherloc (09022015). Collection method: clinical testing. Allele origin: germline.
Comment: This sequence change replaces cysteine, which is neutral and slightly polar, with phenylalanine, which is neutral and non-polar, at codon 159 of the DNAJC21 protein (p.Cys159Phe). This variant is not present in population databases (gnomAD no frequency). This variant has not been reported in the literature in individuals affected with DNAJC21-related conditions. An algorithm developed to predict the effect of missense changes on protein structure and function (PolyPhen-2) suggests that this variant is likely to be disruptive. In summary, the available evidence is currently insufficient to determine the role of this variant in disease. Therefore, it has been classified as a Variant of Uncertain Significance.

NM_001012339.3(DNAJC21):c.476G>T (p.Cys159Phe)

Gene: DNAJC21 (DnaJ heat shock protein family (Hsp40) member C21; plus strand). Cytogenetic location: 5p13.2.
Variant type: single nucleotide variant.
Coding change: c.476G>T on transcript NM_001012339.3 (MANE Select); coding-DNA position 476, G replaced by T.
Protein change: p.Cys159Phe; replaces cysteine 159 with phenylalanine.
Molecular consequence: missense variant.
Genome position (GRCh38, 1-based): chr5:34,937,363, G>T. VCF-style: chr5-34937363-G-T. GRCh37 (hg19) VCF-style: chr5-34937468-G-T.
Other names: c.476G>T, p.Cys159Phe (NM_001348420.2, NM_194283.4); short protein forms C159F.
Identifiers: ClinVar variation 3721278 (VCV003721278.2).